The following is an entry in ClinVar:

ClinVar aggregate classification (germline): Uncertain significance (1 of 4 stars; one submission).

Conditions:
Mitochondrial complex V (ATP synthase) deficiency, nuclear type 2. Also called: Nuclear-Encoded ATPase Deficiency, TMEM70-Related; ENCEPHALOCARDIOMYOPATHY, MITOCHONDRIAL, NEONATAL, DUE TO ATP SYNTHASE DEFICIENCY; MITOCHONDRIAL COMPLEX V (ATP SYNTHASE) DEFICIENCY, TMEM70 TYPE. Identifiers: Orphanet 1194, MedGen C3279699, MONDO:0013546, OMIM 614052.

Submission:

Daryl Scott Lab, Baylor College of Medicine
Classification: Uncertain significance for Mitochondrial complex V (ATP synthase) deficiency, nuclear type 2. Last evaluated: 2024-01-01. Review status: criteria provided, single submitter. Criteria: ACMG Guidelines, 2015. Collection method: clinical testing. Allele origin: biparental. Observed: 1 homozygote.
Comment: PM2

NM_017866.6(TMEM70):c.289A>C (p.Thr97Pro)

Gene: TMEM70 (transmembrane protein 70; plus strand). Cytogenetic location: 8q21.11.
Variant type: single nucleotide variant.
Coding change: c.289A>C on transcript NM_017866.6 (MANE Select); coding-DNA position 289, A replaced by C.
Protein change: p.Thr97Pro; replaces threonine 97 with proline.
Molecular consequence: missense variant. On other transcripts: non-coding transcript variant (1).
Genome position (GRCh38, 1-based): chr8:73,978,834, A>C. VCF-style: chr8-73978834-A-C. GRCh37 (hg19) VCF-style: chr8-74891069-A-C.
Other names: c.289A>C, p.Thr97Pro (NM_001040613.3); short protein forms T97P.
Identifiers: ClinVar variation 3764566 (VCV003764566.1).